The following is an entry in ClinVar:

NM_000228.3(LAMB3):c.1876delinsAAATT (p.Asp626fs)

Gene: LAMB3 (laminin subunit beta 3; minus strand). Cytogenetic location: 1q32.2.
Variant type: Indel.
Coding change: c.1876delinsAAATT on transcript NM_000228.3 (MANE Select); coding-DNA position 1876, G replaced by AAATT.
Protein change: p.Asp626fs; shifts the reading frame from aspartic acid 626.
Molecular consequence: frameshift variant.
Genome position (GRCh38, 1-based): chr1:209,625,748, C replaced by AATTT on the plus strand (G replaced by AAATT on the coding strand, the reverse complement: LAMB3 is on the minus strand). VCF-style: chr1-209625748-C-AATTT. GRCh37 (hg19) VCF-style: chr1-209799093-C-AATTT.
Other names: c.1876delinsAAATT, p.Asp626fs (NM_001017402.2, NM_001127641.1); short protein forms D626fs.
Identifiers: ClinVar variation 1725028 (VCV001725028.3), dbSNP rs2464814471, ClinGen allele CA2580061984.

ClinVar aggregate classification (germline): Likely pathogenic (1 of 4 stars; one submission).

Conditions:
Junctional epidermolysis bullosa. Identifiers: Orphanet 305, MedGen C0079301, MONDO:0017612.

Submission:

Myriad Genetics, Inc.
Classification: Likely pathogenic for Junctional epidermolysis bullosa. Last evaluated: 2022-03-05. Review status: criteria provided, single submitter. Criteria: Myriad Autosomal Dominant, Autosomal Recessive and X-Linked Classification Criteria (2023). Collection method: clinical testing. Allele origin: unknown.
Comment: NM_000228.2(LAMB3):c.1876del1ins5(D626Kfs*6) is expected to be pathogenic in the context of junctional epidermolysis bullosa, LAMB3-related. This variant is predicted to lead to an abnormal or absent protein product due to the creation of a premature termination codon in LAMB3, a gene where loss-of-function variants are known to be pathogenic. Please note: this variant was assessed in the context of healthy population screening.